The following is an entry in ClinVar:

NM_014283.5(SUCO):c.664T>G (p.Ser222Ala)

Gene: SUCO (SUN domain containing ossification factor; plus strand). Cytogenetic location: 1q24.3.
Variant type: single nucleotide variant.
Coding change: c.664T>G on transcript NM_014283.5 (MANE Select); coding-DNA position 664, T replaced by G.
Protein change: p.Ser222Ala; replaces serine 222 with alanine.
Molecular consequence: missense variant. On other transcripts: 5 prime UTR variant (1).
Genome position (GRCh38, 1-based): chr1:172,557,726, T>G. VCF-style: chr1-172557726-T-G. GRCh37 (hg19) VCF-style: chr1-172526866-T-G.
Other names: c.664T>G (NM_014283.3); c.553T>G, p.Ser185Ala (NM_001282750.2); c.-866T>G (NM_001282751.2); c.1138T>G, p.Ser380Ala (NM_016227.4); short protein forms S380A, S222A, S185A.
Identifiers: ClinVar variation 1402785 (VCV001402785.8), dbSNP rs140466117, ClinGen allele CA1246608.
Genomic context (GRCh38, chr1:172,557,726, plus strand): 5'-AATGTATCATCTTCACATGGTAAAGGAAAGATAACAAAATCAGAATTTGAATCAAAAGTT[T>G]CAGCAAGTGAACAGGGCGGTGGTGATCCAAAATCTGCATTGAATGCTTCAGATAATTTAA-3'
Protein context (NP_055098.1, residues 212-232): ITKSEFESKV[Ser222Ala]ASEQGGGDPK

ClinVar aggregate classification (germline): Uncertain significance. Review status: criteria provided, multiple submitters, no conflicts (2 of 4 stars). 2 submissions from 2 submitters: Uncertain significance (2). Last evaluated 2026-01-27.

Allele frequency attached by ClinVar (database versions not stated): gnomAD exomes 0.00024 and 0.00063; TOPMed 0.00035; gnomAD 0.00027; ESP Exome Variant Server 0.00038; ExAC 0.00020.
gnomAD v4.1: 936 of 1,613,106 alleles (0.058%); highest among the groups gnomAD compares: Non-Finnish European, 0.077%; no homozygotes.

Submissions (2):

Labcorp Genetics (formerly Invitae), Labcorp
Classification: Uncertain significance. Last evaluated: 2026-01-27. Review status: criteria provided, single submitter. Criteria: Invitae Variant Classification Sherloc (09022015). Collection method: clinical testing. Allele origin: germline.
Comment: This sequence change replaces serine, which is neutral and polar, with alanine, which is neutral and non-polar, at codon 222 of the SUCO protein (p.Ser222Ala). This variant is present in population databases (rs140466117, gnomAD 0.05%), and has an allele count higher than expected for a pathogenic variant. This variant has not been reported in the literature in individuals affected with SUCO-related conditions. ClinVar contains an entry for this variant (Variation ID: 1402785). An algorithm developed to predict the effect of missense changes on protein structure and function (PolyPhen-2) suggests that this variant is likely to be tolerated. In summary, the available evidence is currently insufficient to determine the role of this variant in disease. Therefore, it has been classified as a Variant of Uncertain Significance.

Ambry Genetics
Classification: Uncertain significance. Last evaluated: 2024-08-26. Review status: criteria provided, single submitter. Criteria: Ambry Variant Classification Scheme 2023. Collection method: clinical testing. Allele origin: germline.